The following is an entry in ClinVar:

NM_017999.5(RNF31):c.730T>C (p.Phe244Leu)

Gene: RNF31 (ring finger protein 31; plus strand). Cytogenetic location: 14q12.
Variant type: single nucleotide variant.
Coding change: c.730T>C on transcript NM_017999.5 (MANE Select); coding-DNA position 730, T replaced by C.
Protein change: p.Phe244Leu; replaces phenylalanine 244 with leucine.
Molecular consequence: missense variant.
Genome position (GRCh38, 1-based): chr14:24,149,504, T>C. VCF-style: chr14-24149504-T-C. GRCh37 (hg19) VCF-style: chr14-24618713-T-C.
Other names: c.277T>C, p.Phe93Leu (NM_001310332.2); short protein forms F244L, F93L.
Identifiers: ClinVar variation 2846320 (VCV002846320.3), dbSNP rs2501996091, ClinGen allele CA389290854.

ClinVar aggregate classification (germline): Uncertain significance (1 of 4 stars; one submission).

Submission:

Labcorp Genetics (formerly Invitae), Labcorp
Classification: Uncertain significance. Last evaluated: 2023-03-16. Review status: criteria provided, single submitter. Criteria: Invitae Variant Classification Sherloc (09022015). Collection method: clinical testing. Allele origin: germline.
Comment: In summary, the available evidence is currently insufficient to determine the role of this variant in disease. Therefore, it has been classified as a Variant of Uncertain Significance. An algorithm developed to predict the effect of missense changes on protein structure and function (PolyPhen-2) suggests that this variant is likely to be disruptive. This variant has not been reported in the literature in individuals affected with RNF31-related conditions. This variant is not present in population databases (gnomAD no frequency). This sequence change replaces phenylalanine, which is neutral and non-polar, with leucine, which is neutral and non-polar, at codon 244 of the RNF31 protein (p.Phe244Leu).